The following is an entry in ClinVar:

ClinVar aggregate classification (germline): Pathogenic (1 of 4 stars; one submission).

Submission:

Dasa
Classification: Pathogenic. Last evaluated: 2024-09-12. Review status: criteria provided, single submitter. Criteria: DASA Assertion Criteria. Collection method: clinical testing. Allele origin: germline.
Comment: NM_001034853.2(RPGR):c.380_383del (p.Arg127Thrfs*5) is a frameshift variant in RPGR predicted to alter the reading frame and introduce a premature termination codon and is predicted to result in an absent or altered protein product. Loss of function is an established disease mechanism for RPGR-associated disorders. Also, this variant is absent from population databases. Based on the currently available evidence, this variant is classified as pathogenic.

NM_001034853.2(RPGR):c.380_383del (p.Arg127fs)

Gene: RPGR (retinitis pigmentosa GTPase regulator; minus strand). Cytogenetic location: Xp11.4.
Variant type: Microsatellite.
Coding change: c.380_383del on transcript NM_001034853.2 (MANE Select); coding-DNA positions 380 to 383, 4 bases deleted (GAAA; older notation c.380_383delGAAA).
Protein change: p.Arg127fs; shifts the reading frame from arginine 127.
Molecular consequence: frameshift variant. On other transcripts: non-coding transcript variant (6).
Genome position (GRCh38, 1-based): chrX:38,318,915-38,318,918, TTTC deleted on the plus strand (GAAA on the coding strand, the reverse complement: RPGR is on the minus strand); deleting any 4 consecutive bases within chrX:38,318,915-38,318,924 gives the same sequence; the c. name uses the placement nearest the transcript's 3' end. VCF-style (leftmost placement, unchanged base first): chrX-38318914-GTTTC-G. GRCh37 (hg19) VCF-style: chrX-38178167-GTTTC-G.
Other names: c.380_383del, p.Arg127fs (NM_000328.3, NM_001367245.1, NM_001367246.1 and 3 more transcripts); c.410_413del, p.Arg137fs (NM_001367248.1); c.377_380del, p.Arg126fs (NM_001367249.1); short protein forms R126fs, R127fs, R137fs.
Identifiers: ClinVar variation 4883381 (VCV004883381.2).